The following is an entry in ClinVar:

ClinVar aggregate classification (germline): Uncertain significance (1 of 4 stars; one submission).

Allele frequency attached by ClinVar (database versions not stated): gnomAD 0.00001; gnomAD exomes 0.00001; TOPMed 0.00001; ExAC 0.00005.
gnomAD v4.1: 4 of 1,551,380 alleles (0.00026%); highest among the groups gnomAD compares: South Asian, 0.0012%; no homozygotes.

Submission:

Labcorp Genetics (formerly Invitae), Labcorp
Classification: Uncertain significance. Last evaluated: 2022-07-07. Review status: criteria provided, single submitter. Criteria: Invitae Variant Classification Sherloc (09022015). Collection method: clinical testing. Allele origin: germline.
Comment: In summary, the available evidence is currently insufficient to determine the role of this variant in disease. Therefore, it has been classified as a Variant of Uncertain Significance. Advanced modeling of protein sequence and biophysical properties (such as structural, functional, and spatial information, amino acid conservation, physicochemical variation, residue mobility, and thermodynamic stability) performed at Invitae indicates that this missense variant is expected to disrupt CPLANE1 protein function. This variant has not been reported in the literature in individuals affected with CPLANE1-related conditions. This variant is present in population databases (rs752878745, gnomAD 0.002%). This sequence change replaces threonine, which is neutral and polar, with isoleucine, which is neutral and non-polar, at codon 421 of the CPLANE1 protein (p.Thr421Ile).

NM_001384732.1(CPLANE1):c.1262C>T (p.Thr421Ile)

Gene: CPLANE1 (ciliogenesis and planar polarity effector complex subunit 1; minus strand). Cytogenetic location: 5p13.2.
Variant type: single nucleotide variant.
Coding change: c.1262C>T on transcript NM_001384732.1 (MANE Select); coding-DNA position 1262, C replaced by T.
Protein change: p.Thr421Ile; replaces threonine 421 with isoleucine.
Molecular consequence: missense variant.
Genome position (GRCh38, 1-based): chr5:37,227,677, G>A on the plus strand (C>T on the coding strand, the complement: CPLANE1 is on the minus strand). VCF-style: chr5-37227677-G-A. GRCh37 (hg19) VCF-style: chr5-37227779-G-A.
Other names: c.1262C>T, p.Thr421Ile (NM_023073.4); short protein forms T421I.
Identifiers: ClinVar variation 2151250 (VCV002151250.2), dbSNP rs752878745, ClinGen allele CA3239119.